The following is an entry in ClinVar:

NM_000465.4(BARD1):c.1201A>G (p.Ser401Gly)

Gene: BARD1 (BRCA1 associated RING domain 1; minus strand). Cytogenetic location: 2q35.
Variant type: single nucleotide variant.
Coding change: c.1201A>G on transcript NM_000465.4 (MANE Select); coding-DNA position 1201, A replaced by G.
Protein change: p.Ser401Gly; replaces serine 401 with glycine.
Molecular consequence: missense variant. On other transcripts: non-coding transcript variant (2), intron variant (3).
Genome position (GRCh38, 1-based): chr2:214,780,673, T>C on the plus strand (A>G on the coding strand, the complement: BARD1 is on the minus strand). VCF-style: chr2-214780673-T-C. GRCh37 (hg19) VCF-style: chr2-215645397-T-C.
Other names: c.1144A>G, p.Ser382Gly (NM_001282543.2); c.159-28118A>G (NM_001282548.2); c.215+16388A>G (NM_001282545.2); c.364+11624A>G (NM_001282549.2); c.1201A>G (NM_000465.2); short protein forms S382G, S401G.
Identifiers: ClinVar variation 925071 (VCV000925071.11), dbSNP rs1694948504, ClinGen allele CA350453755.
Genomic context (GRCh38, chr2:214,780,673, plus strand): 5'-CCATATTGGGCAACAGCTTCATTGCTGAGGGACTAGACATCACTCGCCTGTAACTTGAAC[T>C]ACTTAATGTAGAAGGTGGTGTACCTGGTGAAAGACTAATGAATTCATCGGACATGTTACT-3'
Protein context (NP_000456.2, residues 391-411): SPGTPPSTLS[Ser401Gly]SSYRRVMSSP

ClinVar aggregate classification (germline): Uncertain significance. Review status: criteria provided, multiple submitters, no conflicts (2 of 4 stars). 3 submissions from 3 submitters: Uncertain significance (3). Last evaluated 2025-06-13.

Conditions:
Hereditary cancer-predisposing syndrome. Also called: Neoplastic Syndromes, Hereditary; Tumor predisposition; Hereditary Cancer Syndrome; Hereditary neoplastic syndrome. Identifiers: Orphanet 140162, MedGen C0027672, MeSH D009386, MONDO:0015356.
Familial cancer of breast. Also called: BREAST CANCER, FAMILIAL; Hereditary breast cancer; hereditary breast carcinoma. Identifiers: Orphanet 227535, MedGen C0346153, MONDO:0016419, OMIM 114480. Disease mechanism: loss of function.

Submissions (3):

Ambry Genetics
Classification: Uncertain significance for Hereditary cancer-predisposing syndrome. Last evaluated: 2025-06-13. Review status: criteria provided, single submitter. Criteria: Ambry Variant Classification Scheme 2023. Collection method: clinical testing. Allele origin: germline.
Comment: The p.S401G variant (also known as c.1201A>G), located in coding exon 4 of the BARD1 gene, results from an A to G substitution at nucleotide position 1201. The serine at codon 401 is replaced by glycine, an amino acid with similar properties. This amino acid position is conserved. In addition, this alteration is predicted to be tolerated by in silico analysis. Based on the available evidence, the clinical significance of this variant remains unclear.

Labcorp Genetics (formerly Invitae), Labcorp
Classification: Uncertain significance for Familial cancer of breast. Last evaluated: 2024-04-16. Review status: criteria provided, single submitter. Criteria: Invitae Variant Classification Sherloc (09022015). Collection method: clinical testing. Allele origin: germline.
Comment: This sequence change replaces serine, which is neutral and polar, with glycine, which is neutral and non-polar, at codon 401 of the BARD1 protein (p.Ser401Gly). This variant is not present in population databases (gnomAD no frequency). This variant has not been reported in the literature in individuals affected with BARD1-related conditions. ClinVar contains an entry for this variant (Variation ID: 925071). An algorithm developed to predict the effect of missense changes on protein structure and function (PolyPhen-2) suggests that this variant is likely to be tolerated. In summary, the available evidence is currently insufficient to determine the role of this variant in disease. Therefore, it has been classified as a Variant of Uncertain Significance.

Color Diagnostics, LLC DBA Color Health
Classification: Uncertain significance for Hereditary cancer-predisposing syndrome. Last evaluated: 2023-12-05. Review status: criteria provided, single submitter. Criteria: ACMG Guidelines, 2015. Collection method: clinical testing. Allele origin: germline.
Comment: This missense variant replaces serine with glycine at codon 401 of the BARD1 protein. Computational prediction tools and conservation analyses suggest that this variant may not impact the protein function. Computational splicing tools suggest that this variant may not impact RNA splicing. To our knowledge, functional assays have not been performed for this variant nor has this variant been reported in individuals affected with hereditary cancer in the literature. This variant has not been identified in the general population by the Genome Aggregation Database (gnomAD). Available evidence is insufficient to determine the role of this variant in disease conclusively. Therefore, this variant is classified as a Variant of Uncertain Significance.